The following is an entry in ClinVar:

ClinVar aggregate classification (germline): Uncertain significance (1 of 4 stars; one submission).

Conditions:
Parkinson disease 22, autosomal dominant (PARK22). Identifiers: MedGen C4225238, MONDO:0014742, OMIM 616710.

Submission:

Clinical Genetics Laboratory, University Hospital Schleswig-Holstein
Classification: Uncertain significance for Parkinson disease 22, autosomal dominant. Last evaluated: 2025-04-23. Review status: criteria provided, single submitter. Criteria: ACMG Guidelines, 2015. Collection method: clinical testing. Allele origin: germline. Affected: yes. Observed: 1 heterozygote.
Comment: ACMG criteria applied: PVS1_Moderate, PP4

NM_016139.4(CHCHD2):c.356_359del (p.Lys119fs)

Gene: CHCHD2 (coiled-coil-helix-coiled-coil-helix domain containing 2; minus strand). Cytogenetic location: 7p11.2.
Variant type: Deletion.
Coding change: c.356_359del on transcript NM_016139.4 (MANE Select); coding-DNA positions 356 to 359, 4 bases deleted (AACA; older notation c.356_359delAACA).
Protein change: p.Lys119fs; shifts the reading frame from lysine 119.
Molecular consequence: frameshift variant.
Genome position (GRCh38, 1-based): chr7:56,102,953-56,102,956, TGTT deleted on the plus strand (AACA on the coding strand, the reverse complement: CHCHD2 is on the minus strand); deleting any 4 consecutive bases within chr7:56,102,953-56,102,958 gives the same sequence; the c. name uses the placement nearest the transcript's 3' end. VCF-style (leftmost placement, unchanged base first): chr7-56102952-CTGTT-C. GRCh37 (hg19) VCF-style: chr7-56170645-CTGTT-C.
Other names: c.356_359del, p.Lys119fs (NM_001320327.2); short protein forms K119fs.
Identifiers: ClinVar variation 5042040 (VCV005042040.1).